The following is an entry in ClinVar:

NM_001393504.1(MAST3):c.1607C>T (p.Thr536Met)

Gene: MAST3 (microtubule associated serine/threonine kinase 3; plus strand). Cytogenetic location: 19p13.11.
Variant type: single nucleotide variant.
Coding change: c.1607C>T on transcript NM_001393504.1 (MANE Select); coding-DNA position 1607, C replaced by T.
Protein change: p.Thr536Met; replaces threonine 536 with methionine.
Molecular consequence: missense variant.
Genome position (GRCh38, 1-based): chr19:18,134,614, C>T. VCF-style: chr19-18134614-C-T. GRCh37 (hg19) VCF-style: chr19-18245424-C-T.
Other names: c.1631C>T, p.Thr544Met (NM_001393501.1); c.1610C>T, p.Thr537Met (NM_001393502.1); c.1607C>T, p.Thr536Met (NM_001393503.1); c.1604C>T, p.Thr535Met (NM_001393505.1); c.1559C>T, p.Thr520Met (NM_001393506.1, NM_001393513.1); c.1586C>T, p.Thr529Met (NM_001393507.1); c.1541C>T, p.Thr514Met (NM_001393508.1, NM_001393516.1); c.1538C>T, p.Thr513Met (NM_001393509.1, NM_001393510.1, NM_001393512.1 and 2 more transcripts); and 5 more; short protein forms T498M, T506M, T507M, T512M, T513M, T514M, T520M, T529M.
Identifiers: ClinVar variation 1701672 (VCV001701672.2), dbSNP rs772530453, ClinGen allele CA9305938.

ClinVar aggregate classification (germline): Uncertain significance. Review status: criteria provided, multiple submitters, no conflicts (2 of 4 stars). 2 submissions from 2 submitters: Uncertain significance (2). Last evaluated 2025-09-01.

Conditions:
Inborn genetic diseases. Identifiers: MedGen C0950123, MeSH D030342.

Allele frequency attached by ClinVar (database versions not stated): gnomAD exomes below 0.00001 and 0.00001.
gnomAD v4.1: 7 of 1,612,898 alleles (0.00043%); highest among the groups gnomAD compares: East Asian, 0.0022%; no homozygotes.

Submissions (2):

Ambry Genetics
Classification: Uncertain significance for Inborn genetic diseases. Last evaluated: 2025-09-01. Review status: criteria provided, single submitter. Criteria: Ambry Variant Classification Scheme 2023. Collection method: clinical testing. Allele origin: germline.

New York Genome Center
Classification: Uncertain significance. Last evaluated: 2021-10-08. Review status: criteria provided, single submitter. Criteria: NYGC Assertion Criteria 2020. Collection method: clinical testing. Allele origin: germline. Observed: 1 heterozygote. Study: CSER-NYCKidSeq.
Comment: The c.1520C>T p.(Thr507Met) variant in MAST3 has not previously been reported in the literature or public variant repositories (ClinVar and LOVD). This variant is observed in three individuals across population databases (gnomAD v2.1.1 and v3.1.1, TOPMed Freeze 8) suggesting it is not a common benign variant in the populations represented in those databases. In silico algorithms predict a deleterious effect of the c.1520C>T variant on the encoded transcript. The predicted p.(Thr507Met) variant is located in the serine threonine kinase domain of the encoded protein, and is in the vicinity of previously reported recurring missense variants p.(Gly510Ser)and p.(Gly515Ser) [PMIDs: 34185323, 30842224]. Based on available evidence, this heterozygous c.1520C>T p.(Thr507Met) variant identified in MAST3 is classified as a Variant of Uncertain Significance.